The following is an entry in ClinVar:

ClinVar aggregate classification (germline): Uncertain significance. Review status: criteria provided, multiple submitters, no conflicts (2 of 4 stars). 2 submissions from 2 submitters: Uncertain significance (2). Last evaluated 2022-03-16.

Conditions:
Cardiovascular phenotype. Identifiers: MedGen CN230736.

Submissions (2):

Ambry Genetics
Classification: Uncertain significance for Cardiovascular phenotype. Last evaluated: 2022-03-16. Review status: criteria provided, single submitter. Criteria: Ambry Variant Classification Scheme 2023. Collection method: clinical testing. Allele origin: germline.
Comment: The p.R363H variant (also known as c.1088G>A), located in coding exon 2 of the JPH2 gene, results from a G to A substitution at nucleotide position 1088. The arginine at codon 363 is replaced by histidine, an amino acid with highly similar properties. This alteration has been reported in a left ventricular non-compaction (LVNC) cohort with limited clinical details (Liu S et al. Int J Cardiol, 2020 03;302:117-123). This amino acid position is well conserved in available vertebrate species. In addition, this alteration is predicted to be tolerated by in silico analysis. Since supporting evidence is limited at this time, the clinical significance of this alteration remains unclear.

GeneDx
Classification: Uncertain significance. Last evaluated: 2022-02-15. Review status: criteria provided, single submitter. Criteria: GeneDx Variant Classification Process June 2021. Collection method: clinical testing. Allele origin: germline. Affected: yes.
Comment: Identified in a patient with left ventricular noncompaction cardiomyopathy (LVNC) in the published literature (Liu et al., 2020); Not observed at significant frequency in large population cohorts (gnomAD); In silico analysis supports that this missense variant has a deleterious effect on protein structure/function; This variant is associated with the following publications: (PMID: 31918855)

Literature cited by the submitters: PubMed 31918855 (cited by Ambry Genetics).

NM_020433.5(JPH2):c.1088G>A (p.Arg363His)

Gene: JPH2 (junctophilin 2; minus strand). Cytogenetic location: 20q13.12.
Variant type: single nucleotide variant.
Coding change: c.1088G>A on transcript NM_020433.5 (MANE Select); coding-DNA position 1088, G replaced by A.
Protein change: p.Arg363His; replaces arginine 363 with histidine.
Molecular consequence: missense variant.
Genome position (GRCh38, 1-based): chr20:44,159,699, C>T on the plus strand (G>A on the coding strand, the complement: JPH2 is on the minus strand). VCF-style: chr20-44159699-C-T. GRCh37 (hg19) VCF-style: chr20-42788339-C-T.
Other names: short protein forms R363H.
Identifiers: ClinVar variation 1700834 (VCV001700834.4), dbSNP rs757549568, ClinGen allele CA9868753.